The following is an entry in ClinVar:

ClinVar aggregate classification (germline): Conflicting classifications of pathogenicity. Review status: criteria provided, conflicting classifications (1 of 4 stars). 2 submissions from 2 submitters: Uncertain significance (1); Likely benign (1). Last evaluated 2025-10-03.

Allele frequency attached by ClinVar (database versions not stated): gnomAD 0.00002; ExAC 0.00003; TOPMed 0.00005.
gnomAD v4.1: 10 of 1,551,572 alleles (0.00064%); highest among the groups gnomAD compares: African/African-American, 0.0081%; no homozygotes.

Submissions (2):

Women's Health and Genetics/Laboratory Corporation of America, LabCorp
Classification: Uncertain significance. Last evaluated: 2025-10-03. Review status: criteria provided, single submitter. Criteria: LabCorp Variant Classification Summary - May 2015. Collection method: clinical testing. Allele origin: germline.
Comment: Variant summary: OPA1 c.2858T>C (p.Ile953Thr) results in a non-conservative amino acid change in the encoded protein sequence. Algorithms developed to predict the effect of missense changes on protein structure and function all suggest that this variant is likely to be disruptive. The variant allele was found at a frequency of 5e-06 in 200404 control chromosomes. The available data on variant occurrences in the general population are insufficient to allow any conclusion about variant significance. To our knowledge, no occurrence of c.2858T>C in individuals affected with OPA1-related conditions and no experimental evidence demonstrating its impact on protein function have been reported. ClinVar contains an entry for this variant (Variation ID: 1942458). Based on the evidence outlined above, the variant was classified as uncertain significance.

Labcorp Genetics (formerly Invitae), Labcorp
Classification: Likely benign. Last evaluated: 2025-01-06. Review status: criteria provided, single submitter. Criteria: Invitae Variant Classification Sherloc (09022015). Collection method: clinical testing. Allele origin: germline.

NM_130837.3(OPA1):c.3023T>C (p.Ile1008Thr)

Gene: OPA1 (OPA1 mitochondrial dynamin like GTPase; plus strand). Cytogenetic location: 3q29.
Variant type: single nucleotide variant.
Coding change: c.3023T>C on transcript NM_130837.3 (MANE Select); coding-DNA position 3023, T replaced by C.
Protein change: p.Ile1008Thr; replaces isoleucine 1008 with threonine.
Molecular consequence: missense variant.
Genome position (GRCh38, 1-based): chr3:193,692,102, T>C. VCF-style: chr3-193692102-T-C. GRCh37 (hg19) VCF-style: chr3-193409891-T-C.
Other names: c.2489T>C, p.Ile830Thr (NM_001354663.2); c.2486T>C, p.Ile829Thr (NM_001354664.2); c.2858T>C, p.Ile953Thr (NM_015560.3); c.2750T>C, p.Ile917Thr (NM_130831.3); c.2804T>C, p.Ile935Thr (NM_130832.3); c.2861T>C, p.Ile954Thr (NM_130833.3); c.2912T>C, p.Ile971Thr (NM_130834.3); c.2915T>C, p.Ile972Thr (NM_130835.3); and 1 more; short protein forms I830T, I990T, I829T, I1008T, I917T, I935T, I953T, I971T.
Identifiers: ClinVar variation 1942458 (VCV001942458.6), dbSNP rs781270720, ClinGen allele CA2759854.